The following is an entry in ClinVar:

NM_172107.4(KCNQ2):c.897C>T (p.Leu299=)

Gene: KCNQ2 (potassium voltage-gated channel subfamily Q member 2; minus strand). Cytogenetic location: 20q13.33.
Variant type: single nucleotide variant.
Coding change: c.897C>T on transcript NM_172107.4 (MANE Select); coding-DNA position 897, C replaced by T.
Protein change: p.Leu299=; no amino-acid change (leucine 299 retained).
Molecular consequence: synonymous variant.
Genome position (GRCh38, 1-based): chr20:63,439,628, G>A on the plus strand (C>T on the coding strand, the complement: KCNQ2 is on the minus strand). VCF-style: chr20-63439628-G-A. GRCh37 (hg19) VCF-style: chr20-62070981-G-A.
Other names: c.897C>T, p.Leu299= (NM_001382235.1, NM_004518.6, NM_172106.3 and 2 more transcripts).
Identifiers: ClinVar variation 3390763 (VCV003390763.2).

ClinVar aggregate classification (germline): Conflicting classifications of pathogenicity. Review status: criteria provided, conflicting classifications (1 of 4 stars). 2 submissions from 2 submitters: Uncertain significance (1); Likely benign (1). Last evaluated 2026-01-01.

Conditions:
Early-infantile DEE. Also called: Early infantile epileptic encephalopathy; Early infantile epileptic encephalopathy with suppression bursts; Ohtahara syndrome. Identifiers: Orphanet 1934, MedGen C0393706, MONDO:0800491.

Submissions (2):

Labcorp Genetics (formerly Invitae), Labcorp
Classification: Likely benign for Early-infantile DEE. Last evaluated: 2026-01-01. Review status: criteria provided, single submitter. Criteria: Invitae Variant Classification Sherloc (09022015). Collection method: clinical testing. Allele origin: germline.

GeneDx
Classification: Uncertain significance. Last evaluated: 2024-06-12. Review status: criteria provided, single submitter. Criteria: GeneDx Variant Classification Process June 2021. Collection method: clinical testing. Allele origin: germline. Affected: yes.
Comment: In silico analysis indicates that this variant does not alter splicing; Has not been previously published as pathogenic or benign to our knowledge